The following is an entry in ClinVar:

NM_000124.4(ERCC6):c.3520del (p.Met1174fs)

Gene: ERCC6 (ERCC excision repair 6, chromatin remodeling factor; minus strand). Cytogenetic location: 10q11.23.
Variant type: Deletion.
Coding change: c.3520del on transcript NM_000124.4 (MANE Select); coding-DNA position 3520, one base deleted (A; older notation c.3520delA).
Protein change: p.Met1174fs; shifts the reading frame from methionine 1174.
Molecular consequence: frameshift variant.
Genome position (GRCh38, 1-based): chr10:49,470,440, T deleted on the plus strand (A on the coding strand, the reverse complement: ERCC6 is on the minus strand); the first of 3 consecutive T bases (chr10:49,470,440-49,470,442); deleting any one gives the same sequence. VCF-style (leftmost placement, unchanged base first): chr10-49470439-AT-A. GRCh37 (hg19) VCF-style: chr10-50678485-AT-A.
Other names: c.3520del, p.Met1174fs (NM_001346440.2); short protein forms M1174fs.
Identifiers: ClinVar variation 1452599 (VCV001452599.6), dbSNP rs1470966288, ClinGen allele CA593780448.
Genomic context (GRCh38, chr10:49,470,439, plus strand): 5'-TCTTCTTCTGCCACACTATGATGTTTTGTTTTTGACTTGTGCTTATAAAAATTATTTTCC[AT>A]TTGTTTATTCTCCCAAAAAGCTTCTGTTTGAGCCTGGCTGGGTCTTTCTCTTTTGTAAGA-3'

ClinVar aggregate classification (germline): Pathogenic (1 of 4 stars; one submission).

Submission:

Labcorp Genetics (formerly Invitae), Labcorp
Classification: Pathogenic. Last evaluated: 2021-11-29. Review status: criteria provided, single submitter. Criteria: Invitae Variant Classification Sherloc (09022015). Collection method: clinical testing. Allele origin: germline.
Comment: This sequence change creates a premature translational stop signal (p.Met1174Trpfs*27) in the ERCC6 gene. It is expected to result in an absent or disrupted protein product. Loss-of-function variants in ERCC6 are known to be pathogenic (PMID: 18628313, 29572252). This variant is present in population databases (no rsID available, gnomAD 0.01%). This variant has not been reported in the literature in individuals affected with ERCC6-related conditions. For these reasons, this variant has been classified as Pathogenic.

Literature cited by the submitters: PubMed 18628313; PubMed 29572252.